The following is an entry in ClinVar:

ClinVar aggregate classification (germline): Uncertain significance (1 of 4 stars; one submission).

Conditions:
Immunodeficiency 35 (IMD35). Also called: TYK2 DEFICIENCY; Susceptibility to infection due to TYK2 deficiency; HIES WITH ATYPICAL MYCOBACTERIOSIS, AUTOSOMAL RECESSIVE; HYPER-IgE SYNDROME WITH ATYPICAL MYCOBACTERIOSIS, AUTOSOMAL RECESSIVE. Identifiers: Orphanet 331226, MedGen C1969086, MONDO:0012682, OMIM 611521.

Submission:

Labcorp Genetics (formerly Invitae), Labcorp
Classification: Uncertain significance for Immunodeficiency 35. Last evaluated: 2021-04-08. Review status: criteria provided, single submitter. Criteria: Invitae Variant Classification Sherloc (09022015). Collection method: clinical testing. Allele origin: germline.
Comment: This sequence change replaces valine with alanine at codon 640 of the TYK2 protein (p.Val640Ala). The valine residue is highly conserved and there is a small physicochemical difference between valine and alanine. In summary, the available evidence is currently insufficient to determine the role of this variant in disease. Therefore, it has been classified as a Variant of Uncertain Significance. Algorithms developed to predict the effect of missense changes on protein structure and function are either unavailable or do not agree on the potential impact of this missense change (SIFT: "Not Available"; PolyPhen-2: "Probably Damaging"; Align-GVGD: "Not Available"). This variant has not been reported in the literature in individuals with TYK2-related conditions. This variant is not present in population databases (ExAC no frequency).

NM_003331.5(TYK2):c.1919T>C (p.Val640Ala)

Gene: TYK2 (tyrosine kinase 2; minus strand). Cytogenetic location: 19p13.2.
Variant type: single nucleotide variant.
Coding change: c.1919T>C on transcript NM_003331.5 (MANE Select); coding-DNA position 1919, T replaced by C.
Protein change: p.Val640Ala; replaces valine 640 with alanine.
Molecular consequence: missense variant. On other transcripts: intron variant (1).
Genome position (GRCh38, 1-based): chr19:10,361,810, A>G on the plus strand (T>C on the coding strand, the complement: TYK2 is on the minus strand). VCF-style: chr19-10361810-A-G. GRCh37 (hg19) VCF-style: chr19-10472486-A-G.
Other names: c.1919T>C, p.Val640Ala (NM_001385197.1, NM_001385198.1, NM_001385200.1 and 2 more transcripts); c.1721T>C, p.Val574Ala (NM_001385201.1); c.1835T>C, p.Val612Ala (NM_001385202.1); c.1829T>C, p.Val610Ala (NM_001385205.1); c.1793T>C, p.Val598Ala (NM_001385206.1); c.1901T>C, p.Val634Ala (NM_001385207.1); c.1774-212T>C (NM_001385199.1); short protein forms V610A, V598A, V612A, V634A, V574A, V640A.
Identifiers: ClinVar variation 1385860 (VCV001385860.6), dbSNP rs2145214611, ClinGen allele CA404002317.